The following is an entry in ClinVar:

NM_006031.6(PCNT):c.6262A>C (p.Asn2088His)

Gene: PCNT (pericentrin; plus strand). Cytogenetic location: 21q22.3.
Variant type: single nucleotide variant.
Coding change: c.6262A>C on transcript NM_006031.6 (MANE Select); coding-DNA position 6262, A replaced by C.
Protein change: p.Asn2088His; replaces asparagine 2088 with histidine.
Molecular consequence: missense variant.
Genome position (GRCh38, 1-based): chr21:46,416,180, A>C. VCF-style: chr21-46416180-A-C. GRCh37 (hg19) VCF-style: chr21-47836094-A-C.
Other names: c.5908A>C, p.Asn1970His (NM_001315529.2); short protein forms N1970H, N2088H.
Identifiers: ClinVar variation 2001080 (VCV002001080.4), dbSNP rs2518828635, ClinGen allele CA410562596.

ClinVar aggregate classification (germline): Uncertain significance (1 of 4 stars; one submission).

Submission:

Labcorp Genetics (formerly Invitae), Labcorp
Classification: Uncertain significance. Last evaluated: 2022-05-30. Review status: criteria provided, single submitter. Criteria: Invitae Variant Classification Sherloc (09022015). Collection method: clinical testing. Allele origin: germline.
Comment: This sequence change replaces asparagine, which is neutral and polar, with histidine, which is basic and polar, at codon 2088 of the PCNT protein (p.Asn2088His). This variant is not present in population databases (gnomAD no frequency). This variant has not been reported in the literature in individuals affected with PCNT-related conditions. Algorithms developed to predict the effect of missense changes on protein structure and function (SIFT, PolyPhen-2, Align-GVGD) all suggest that this variant is likely to be tolerated. In summary, the available evidence is currently insufficient to determine the role of this variant in disease. Therefore, it has been classified as a Variant of Uncertain Significance.